The following is an entry in ClinVar:

NM_178857.6(RP1L1):c.256G>A (p.Gly86Ser)

Gene: RP1L1 (RP1 like 1). Cytogenetic location: 8p23.1.
Variant type: single nucleotide variant.
Coding change: c.256G>A on transcript NM_178857.6 (MANE Select); coding-DNA position 256, G replaced by A.
Protein change: p.Gly86Ser; replaces glycine 86 with serine.
Molecular consequence: missense variant.
Genome position (GRCh38, 1-based): chr8:10,622,946, C>T on the plus strand (G>A on the coding strand, the complement: RP1L1 is on the minus strand). VCF-style: chr8-10622946-C-T. GRCh37 (hg19) VCF-style: chr8-10480456-C-T.
Other names: short protein forms G86S.
Identifiers: ClinVar variation 2192325 (VCV002192325.5), dbSNP rs780836879, ClinGen allele CA4625789.

ClinVar aggregate classification (germline): Uncertain significance. Review status: criteria provided, multiple submitters, no conflicts (2 of 4 stars). 2 submissions from 2 submitters: Uncertain significance (2). Last evaluated 2025-12-11.

Allele frequency attached by ClinVar (database versions not stated): gnomAD exomes 0.00001; TOPMed 0.00001; ExAC 0.00003.
gnomAD v4.1: 12 of 1,614,016 alleles (0.00074%); highest among the groups gnomAD compares: East Asian, 0.0067%; no homozygotes.

Submissions (2):

Labcorp Genetics (formerly Invitae), Labcorp
Classification: Uncertain significance. Last evaluated: 2025-12-11. Review status: criteria provided, single submitter. Criteria: Invitae Variant Classification Sherloc (09022015). Collection method: clinical testing. Allele origin: germline.
Comment: This sequence change replaces glycine, which is neutral and non-polar, with serine, which is neutral and polar, at codon 86 of the RP1L1 protein (p.Gly86Ser). This variant is present in population databases (rs780836879, gnomAD 0.02%). This variant has not been reported in the literature in individuals affected with RP1L1-related conditions. ClinVar contains an entry for this variant (Variation ID: 2192325). Invitae Evidence Modeling of protein sequence and biophysical properties (such as structural, functional, and spatial information, amino acid conservation, physicochemical variation, residue mobility, and thermodynamic stability) has been performed for this missense variant. However, the output from this modeling did not meet the statistical confidence thresholds required to predict the impact of this variant on RP1L1 protein function. In summary, the available evidence is currently insufficient to determine the role of this variant in disease. Therefore, it has been classified as a Variant of Uncertain Significance.

Blueprint Genetics
Classification: Uncertain significance. Last evaluated: 2019-09-05. Review status: criteria provided, single submitter. Criteria: ACMG Guidelines, 2015. Collection method: clinical testing. Allele origin: germline.